The following is an entry in ClinVar:

NM_177550.5(SLC13A5):c.1615T>C (p.Cys539Arg)

Gene: SLC13A5 (solute carrier family 13 member 5; minus strand). Cytogenetic location: 17p13.1.
Variant type: single nucleotide variant.
Coding change: c.1615T>C on transcript NM_177550.5 (MANE Select); coding-DNA position 1615, T replaced by C.
Protein change: p.Cys539Arg; replaces cysteine 539 with arginine.
Molecular consequence: missense variant.
Genome position (GRCh38, 1-based): chr17:6,686,299, A>G on the plus strand (T>C on the coding strand, the complement: SLC13A5 is on the minus strand). VCF-style: chr17-6686299-A-G. GRCh37 (hg19) VCF-style: chr17-6589618-A-G.
Other names: c.1477T>C, p.Cys493Arg (NM_001143838.3); c.1564T>C, p.Cys522Arg (NM_001284509.2); c.1486T>C, p.Cys496Arg (NM_001284510.2); short protein forms C493R, C496R, C522R, C539R.
Identifiers: ClinVar variation 639696 (VCV000639696.8), dbSNP rs1597651569, ClinGen allele CA397737106.
Genomic context (GRCh38, chr17:6,686,299, plus strand): 5'-CAGGGAAATGATCCAAGTCAAATATGGCCCGTCCCCAGGTGTTGACAGCCAAAAACACAC[A>G]GAAGACTCCAATTATGTTCATTATGACTCCTGTTTTCACCTGGAAAAGAGACAGAGTCAG-3'
Protein context (NP_808218.1, residues 529-549): GVIMNIIGVF[Cys539Arg]VFLAVNTWGR

ClinVar aggregate classification (germline): Uncertain significance (1 of 4 stars; one submission).

Conditions:
Developmental and epileptic encephalopathy, 25 (DEE25). Also called: Epileptic encephalopathy, early infantile, 25; Developmental and epileptic encephalopathy 25, with amelogenesis imperfecta; Epileptic encephalopathy, early infantile, 25, with amelogenesis imperfecta. Identifiers: Orphanet 442835, MedGen C4014621, MONDO:0014392, OMIM 615905.

Submission:

Labcorp Genetics (formerly Invitae), Labcorp
Classification: Uncertain significance for Developmental and epileptic encephalopathy, 25. Last evaluated: 2023-08-24. Review status: criteria provided, single submitter. Criteria: Invitae Variant Classification Sherloc (09022015). Collection method: clinical testing. Allele origin: germline.
Comment: This variant is not present in population databases (gnomAD no frequency). This missense change has been observed in individual(s) with clinical features of SLC13A5-related conditions (Invitae). ClinVar contains an entry for this variant (Variation ID: 639696). Advanced modeling of protein sequence and biophysical properties (such as structural, functional, and spatial information, amino acid conservation, physicochemical variation, residue mobility, and thermodynamic stability) performed at Invitae indicates that this missense variant is expected to disrupt SLC13A5 protein function. In summary, the available evidence is currently insufficient to determine the role of this variant in disease. Therefore, it has been classified as a Variant of Uncertain Significance. This sequence change replaces cysteine, which is neutral and slightly polar, with arginine, which is basic and polar, at codon 539 of the SLC13A5 protein (p.Cys539Arg).